The following is an entry in ClinVar:

ClinVar aggregate classification (germline): Likely pathogenic (1 of 4 stars; one submission).

Conditions:
Mucopolysaccharidosis, MPS-III-B (MPS3B). Also called: MUCOPOLYSACCHARIDOSIS, TYPE IIIB; Mucopolysaccharidosis type IIIB (Sanfilippo B); N-ACETYL-ALPHA-D-GLUCOSAMINIDASE DEFICIENCY; NAGLU DEFICIENCY; SANFILIPPO SYNDROME B; MPS III B. Identifiers: Orphanet 79270, MedGen C0086648, MONDO:0009656, OMIM 252920.

Submission:

Foundation for Research in Genetics and Endocrinology, FRIGE's Institute of Human Genetics
Classification: Likely pathogenic for Mucopolysaccharidosis, MPS-III-B. Last evaluated: 2023-01-16. Review status: criteria provided, single submitter. Criteria: ACMG Guidelines, 2015. Collection method: clinical testing. Allele origin: germline. Inheritance: Autosomal recessive inheritance. Affected: yes. Observed: 1 homozygote.
Comment: The homozygous missense variantion in exon 6 of NAGLU gene that results in the amino acid substitution to aspartic acid for asparagine in codon 660 was detected. The observed variant c.1978A>G (p.Asn660Asp) has not been reported in the 1000 genomes and gnomAD databases. The insilico prediction of the variant is disease causing by Mutation Taster, SIFT and CADD.

NM_000263.4(NAGLU):c.1978A>G (p.Asn660Asp)

Gene: NAGLU (N-acetyl-alpha-glucosaminidase; plus strand). Cytogenetic location: 17q21.2.
Variant type: single nucleotide variant.
Coding change: c.1978A>G on transcript NM_000263.4 (MANE Select); coding-DNA position 1978, A replaced by G.
Protein change: p.Asn660Asp; replaces asparagine 660 with aspartic acid.
Molecular consequence: missense variant.
Genome position (GRCh38, 1-based): chr17:42,543,984, A>G. VCF-style: chr17-42543984-A-G. GRCh37 (hg19) VCF-style: chr17-40696002-A-G.
Other names: p.Asn660Asp; short protein forms N660D.
Identifiers: ClinVar variation 1895439 (VCV001895439.3), dbSNP rs2510660819, ClinGen allele CA399605715.